The following is an entry in ClinVar:

ClinVar aggregate classification (germline): Uncertain significance (1 of 4 stars; one submission).

Allele frequency attached by ClinVar (database versions not stated): gnomAD 0.00001; TOPMed 0.00003.
gnomAD v4.1: 12 of 1,613,436 alleles (0.00074%); highest among the groups gnomAD compares: Admixed American, 0.0017%; no homozygotes.

Submission:

Labcorp Genetics (formerly Invitae), Labcorp
Classification: Uncertain significance. Last evaluated: 2021-10-01. Review status: criteria provided, single submitter. Criteria: Invitae Variant Classification Sherloc (09022015). Collection method: clinical testing. Allele origin: germline.
Comment: In summary, the available evidence is currently insufficient to determine the role of this variant in disease. Therefore, it has been classified as a Variant of Uncertain Significance. Algorithms developed to predict the effect of missense changes on protein structure and function output the following: SIFT: "Tolerated"; PolyPhen-2: "Benign"; Align-GVGD: "Class C0". The histidine amino acid residue is found in multiple mammalian species, which suggests that this missense change does not adversely affect protein function. This variant has not been reported in the literature in individuals affected with GPAA1-related conditions. This variant is not present in population databases (ExAC no frequency). This sequence change replaces arginine with histidine at codon 367 of the GPAA1 protein (p.Arg367His). The arginine residue is moderately conserved and there is a small physicochemical difference between arginine and histidine.

NM_003801.4(GPAA1):c.1100G>A (p.Arg367His)

Gene: GPAA1 (glycosylphosphatidylinositol anchor attachment 1; plus strand). Cytogenetic location: 8q24.3.
Variant type: single nucleotide variant.
Coding change: c.1100G>A on transcript NM_003801.4 (MANE Select); coding-DNA position 1100, G replaced by A.
Protein change: p.Arg367His; replaces arginine 367 with histidine.
Molecular consequence: missense variant.
Genome position (GRCh38, 1-based): chr8:144,084,811, G>A. VCF-style: chr8-144084811-G-A. GRCh37 (hg19) VCF-style: chr8-145139714-G-A.
Other names: short protein forms R367H.
Identifiers: ClinVar variation 1389131 (VCV001389131.4), dbSNP rs1554764111, ClinGen allele CA372501216.